The following is an entry in ClinVar:

NM_001009944.3(PKD1):c.1091dup (p.Ser365fs)

Gene: PKD1 (polycystin 1, transient receptor potential channel interacting; minus strand). Cytogenetic location: 16p13.3.
Variant type: Duplication.
Coding change: c.1091dup on transcript NM_001009944.3 (MANE Select); coding-DNA position 1091, one base duplicated (C; older notation c.1091dupC).
Protein change: p.Ser365fs; shifts the reading frame from serine 365.
Molecular consequence: frameshift variant.
Genome position (GRCh38, 1-based): chr16:2,117,901, G duplicated on the plus strand (C on the coding strand, the reverse complement: PKD1 is on the minus strand); the first of 3 consecutive G bases (chr16:2,117,901-2,117,903); duplicating any one gives the same sequence. VCF-style (leftmost placement, unchanged base first): chr16-2117900-C-CG. GRCh37 (hg19) VCF-style: chr16-2167901-C-CG.
Other names: c.1091dupC (NM_001009944.2); c.1091dup, p.Ser365fs (NM_000296.4); short protein forms S365fs.
Identifiers: ClinVar variation 3579788 (VCV003579788.2).

ClinVar aggregate classification (germline): Pathogenic/Likely pathogenic. Review status: criteria provided, multiple submitters, no conflicts (2 of 4 stars). 2 submissions from 2 submitters: Pathogenic (1); Likely pathogenic (1). Last evaluated 2025-10-06.

Conditions:
PKD1-related disorder. Also called: PKD1-related condition.
Polycystic kidney disease, adult type (PKD1). Also called: Polycystic Kidney Disease 1, Autosomal Dominant; Polycystic kidney disease 1; Polycystic kidney disease 1, severe; Polycystic Kidney, Autosomal Dominant; POLYCYSTIC KIDNEY DISEASE, ADULT, TYPE I; POLYCYSTIC KIDNEY DISEASE 1 WITH OR WITHOUT POLYCYSTIC LIVER DISEASE. Identifiers: MedGen C3149841, MONDO:0008263, OMIM 173900.

Submissions (2):

PreventionGenetics, part of Exact Sciences
Classification: Likely pathogenic for PKD1-related condition. Last evaluated: 2025-10-06. Review status: criteria provided, single submitter. Criteria: ACMG Guidelines, 2015. Collection method: clinical testing. Allele origin: germline.
Comment: The PKD1 c.1091dupC variant is predicted to result in a frameshift and premature protein termination (p.Ser365Valfs*6). To our knowledge, this variant has not been reported in the literature, or in a large population database (gnomAD), indicating this variant is rare. Frameshift variants in PKD1 are expected to be pathogenic. This variant is interpreted as likely pathogenic.

Fulgent Genetics
Classification: Pathogenic for Polycystic kidney disease, adult type. Last evaluated: 2024-05-29. Review status: criteria provided, single submitter. Criteria: ACMG Guidelines, 2015. Collection method: clinical testing. Allele origin: germline.